The following is an entry in ClinVar:

ClinVar aggregate classification (germline): Uncertain significance (1 of 4 stars; one submission).

Conditions:
Ataxia-telangiectasia syndrome (AT). Also called: Ataxia telangiectasia (A-T); ATAXIA-TELANGIECTASIA, COMPLEMENTATION GROUP A; ATAXIA-TELANGIECTASIA, FRESNO VARIANT; Ataxia-telangiectasia; Ataxia-telangiectasia, complementation group E; LOUIS-BAR SYNDROME. Identifiers: Orphanet 100, MedGen C0004135, MONDO:0008840, OMIM 208900.

Submission:

Labcorp Genetics (formerly Invitae), Labcorp
Classification: Uncertain significance for Ataxia-telangiectasia syndrome. Last evaluated: 2020-03-05. Review status: criteria provided, single submitter. Criteria: Invitae Variant Classification Sherloc (09022015). Collection method: clinical testing. Allele origin: germline.
Comment: In summary, the available evidence is currently insufficient to determine the role of this variant in disease. Therefore, it has been classified as a Variant of Uncertain Significance. Algorithms developed to predict the effect of sequence changes on RNA splicing suggest that this variant may create or strengthen a splice site, but this prediction has not been confirmed by published transcriptional studies. Experimental studies and prediction algorithms are not available or were not evaluated, and the functional significance of this variant is currently unknown. This variant has not been reported in the literature in individuals with ATM-related conditions. This variant is not present in population databases (ExAC no frequency). This variant, c.5954_5998dup, results in the insertion of 15 amino acid(s) to the ATM protein (p.Thr1985_Ile1999dup), but otherwise preserves the integrity of the reading frame.

NM_000051.4(ATM):c.5954_5998dup (p.Ile1999_Ser2000insThrIleSerSerLeuSerGluLysSerLysGluGluThrGlyIle)

Genes: ATM (ATM serine/threonine kinase; plus strand), C11orf65 (chromosome 11 open reading frame 65; minus strand). Cytogenetic location: 11q22.3.
Variant type: Duplication.
Coding change: c.5954_5998dup on transcript NM_000051.4 (MANE Select); coding-DNA positions 5954 to 5998, 45 bases duplicated.
Protein change: p.Ile1999_Ser2000insThrIleSerSerLeuSerGluLysSerLysGluGluThrGlyIle.
Molecular consequence: inframe insertion. On other transcripts: intron variant (2).
Genome position (GRCh38, 1-based): chr11:108,312,446-108,312,490, 45 bases duplicated; duplicating any 45 consecutive bases within chr11:108,312,444-108,312,490 gives the same sequence; the c. name uses the placement nearest the transcript's 3' end. GRCh37 (hg19): chr11:108,183,173-108,183,217.
Other names: c.5954_5998dup, p.Ile1999_Ser2000insThrIleSerSerLeuSerGluLysSerLysGluGluThrGlyIle (NM_001351834.2); c.641-3417_641-3373dup (NM_001330368.2); c.*39-3417_*39-3373dup (NM_001351110.2).
Identifiers: ClinVar variation 1061218 (VCV001061218.10), dbSNP rs2136060457, ClinGen allele CA2499220671.
Genomic context (GRCh38, chr11:108,312,443, plus strand): 5'-TTAAAAGAGGTGTTCTTGTGACAAACAGAAGTCTTGCATTTGAAGAAGGAAGCCAGAGTA[C>CAACTATTTCTAGCTTGAGTGAAAAAAGTAAAGAAGAAACTGGAAT]AACTATTTCTAGCTTGAGTGAAAAAAGTAAAGAAGAAACTGGAATAAGTTTACAGGTAAA-3'